The following is an entry in ClinVar:

ClinVar aggregate classification (germline): Conflicting classifications of pathogenicity. Review status: criteria provided, conflicting classifications (1 of 4 stars). 7 submissions from 7 submitters: Uncertain significance (5); Likely benign (1). 1 of the submissions does not count toward it. Last evaluated 2025-05-12.

Conditions:
Hereditary cancer-predisposing syndrome. Also called: Tumor predisposition; Hereditary Cancer Syndrome; Neoplastic Syndromes, Hereditary; Hereditary neoplastic syndrome. Identifiers: Orphanet 140162, MedGen C0027672, MeSH D009386, MONDO:0015356.
Hereditary breast ovarian cancer syndrome. Also called: Breast and ovarian cancer; Hereditary breast and ovarian cancer; Hereditary breast and ovarian cancer syndrome; BRCA1- and BRCA2-Associated Hereditary Breast and Ovarian Cancer; Hereditary breast and ovarian cancer syndrome (HBOC); Hereditary breast and/or ovarian cancer syndrome. Identifiers: Orphanet 145, MedGen C0677776, MeSH D061325, MONDO:0003582. Disease mechanism: loss of function.
BRCA2-related disorder. Also called: BRCA2-related condition; BRCA2-related disorders. Identifiers: MedGen CN239275.
Familial cancer of breast. Also called: BREAST CANCER, FAMILIAL; hereditary breast carcinoma; Hereditary breast cancer. Identifiers: Orphanet 227535, MedGen C0346153, MONDO:0016419, OMIM 114480. Disease mechanism: loss of function.
Breast-ovarian cancer, familial, susceptibility to, 2 (BROVCA2). Also called: BRCA2 Hereditary Breast and Ovarian Cancer. Identifiers: Orphanet 145, MedGen C2675520, MONDO:0012933, OMIM 612555. Disease mechanism: loss of function.

Allele frequency attached by ClinVar (database versions not stated): gnomAD 0.00001.
gnomAD v4.1: 1 of 1,613,830 alleles (0.000062%); highest among the groups gnomAD compares: Non-Finnish European, 0.000085%; no homozygotes.

Submissions (7):

Labcorp Genetics (formerly Invitae), Labcorp
Classification: Uncertain significance for Hereditary breast ovarian cancer syndrome. Last evaluated: 2025-05-12. Review status: criteria provided, single submitter. Criteria: Invitae Variant Classification Sherloc (09022015). Collection method: clinical testing. Allele origin: germline.
Comment: This sequence change replaces isoleucine, which is neutral and non-polar, with threonine, which is neutral and polar, at codon 1136 of the BRCA2 protein (p.Ile1136Thr). This variant is not present in population databases (gnomAD no frequency). This variant has not been reported in the literature in individuals affected with BRCA2-related conditions. ClinVar contains an entry for this variant (Variation ID: 91800). Invitae Evidence Modeling of protein sequence and biophysical properties (such as structural, functional, and spatial information, amino acid conservation, physicochemical variation, residue mobility, and thermodynamic stability) indicates that this missense variant is not expected to disrupt BRCA2 protein function with a negative predictive value of 95%. In summary, the available evidence is currently insufficient to determine the role of this variant in disease. Therefore, it has been classified as a Variant of Uncertain Significance.

Ambry Genetics
Classification: Uncertain significance for Hereditary cancer-predisposing syndrome. Last evaluated: 2023-12-31. Review status: criteria provided, single submitter. Criteria: Ambry Variant Classification Scheme 2023. Collection method: clinical testing. Allele origin: germline.
Comment: The p.I1136T variant (also known as c.3407T>C), located in coding exon 10 of the BRCA2 gene, results from a T to C substitution at nucleotide position 3407. The isoleucine at codon 1136 is replaced by threonine, an amino acid with similar properties. This amino acid position is poorly conserved in available vertebrate species. In addition, this alteration is predicted to be tolerated by in silico analysis. Since supporting evidence is limited at this time, the clinical significance of this alteration remains unclear.

University of Washington Department of Laboratory Medicine, University of Washington
Classification: Likely benign for Hereditary cancer-predisposing syndrome. Last evaluated: 2023-03-23. Review status: criteria provided, single submitter. Criteria: Dines et al. (Genet Med. 2020). Collection method: curation. Allele origin: germline.
Comment: Missense variant in a coldspot region where missense variants are very unlikely to be pathogenic (PMID:31911673).

BRCA2 exon 11 coldspot. Reclassification based on statistical prior probability.

Department of Pathology and Laboratory Medicine, Sinai Health System
Classification: Uncertain significance for Familial cancer of breast; Breast-ovarian cancer, familial, susceptibility to, 2. Last evaluated: 2023-02-06. Review status: criteria provided, single submitter. Criteria: ACMG Guidelines, 2015. Collection method: research. Allele origin: germline.

PreventionGenetics, part of Exact Sciences
Classification: Uncertain significance for BRCA2-related condition. Last evaluated: 2022-09-09. Review status: criteria provided, single submitter. Criteria: ACMG Guidelines, 2015. Collection method: clinical testing. Allele origin: germline.
Comment: The BRCA2 c.3407T>C variant is predicted to result in the amino acid substitution p.Ile1136Thr. To our knowledge, this variant has not been reported in the literature or in a large population database, indicating this variant is rare. In ClinVar, this variant is interpreted as uncertain. At this time, the clinical significance of this variant is uncertain due to the absence of conclusive functional and genetic evidence.

Color Diagnostics, LLC DBA Color Health
Classification: Uncertain significance for Hereditary cancer-predisposing syndrome. Last evaluated: 2020-01-17. Review status: criteria provided, single submitter. Criteria: ACMG Guidelines, 2015. Collection method: clinical testing. Allele origin: germline.
Comment: This missense variant replaces isoleucine with threonine at codon 1136 of the BRCA2 protein. Computational prediction tool suggests that this variant may not impact protein structure and function (internally defined REVEL score threshold ≤0.5, PMID: 27666373). Splice site prediction tools suggest that this variant may not impact RNA splicing. To our knowledge, functional studies have not been performed for this variant. This variant has not been reported in individuals affected with hereditary cancer in the literature. This variant has not been identified in the general population by the Genome Aggregation Database (gnomAD). The available evidence is insufficient to determine the role of this variant in disease conclusively. Therefore, this variant is classified as a Variant of Uncertain Significance.

Sharing Clinical Reports Project (SCRP)
Classification: Uncertain significance for Breast-ovarian cancer, familial 2. Last evaluated: 2011-11-16. Review status: no assertion criteria provided. Collection method: clinical testing. Allele origin: germline. Not counted in ClinVar's aggregate classification.

NM_000059.4(BRCA2):c.3407T>C (p.Ile1136Thr)

Gene: BRCA2 (BRCA2 DNA repair associated; plus strand). Cytogenetic location: 13q13.1.
Variant type: single nucleotide variant.
Coding change: c.3407T>C on transcript NM_000059.4 (MANE Select); coding-DNA position 3407, T replaced by C.
Protein change: p.Ile1136Thr; replaces isoleucine 1136 with threonine.
Molecular consequence: missense variant.
Genome position (GRCh38, 1-based): chr13:32,337,762, T>C. VCF-style: chr13-32337762-T-C. GRCh37 (hg19) VCF-style: chr13-32911899-T-C.
Other names: 3635T>C; short protein forms I1136T.
Identifiers: ClinVar variation 91800 (VCV000091800.20), dbSNP rs398122765, ClinGen allele CA017957.
Genomic context (GRCh38, chr13:32,337,762, plus strand): 5'-CTATATTAGAAGAATCAGGAAGTCAGTTTGAATTTACTCAGTTTAGAAAACCAAGCTACA[T>C]ATTGCAGAAGAGTACATTTGAAGTGCCTGAAAACCAGATGACTATCTTAAAGACCACTTC-3'
Protein context (NP_000050.3, residues 1126-1146): EFTQFRKPSY[Ile1136Thr]LQKSTFEVPE